The following is an entry in ClinVar:

ClinVar aggregate classification (germline): Uncertain significance. Review status: criteria provided, multiple submitters, no conflicts (2 of 4 stars). 2 submissions from 2 submitters: Uncertain significance (2). Last evaluated 2024-11-03.

Conditions:
Inborn genetic diseases. Identifiers: MedGen C0950123, MeSH D030342.
Early-infantile DEE. Also called: Early infantile epileptic encephalopathy; Early infantile epileptic encephalopathy with suppression bursts; Ohtahara syndrome. Identifiers: Orphanet 1934, MedGen C0393706, MONDO:0800491.

Allele frequency attached by ClinVar (database versions not stated): gnomAD 0.00005 and 0.00004; TOPMed 0.00005; gnomAD exomes below 0.00001 and 0.00001.
gnomAD v4.1: 9 of 1,613,704 alleles (0.00056%); highest among the groups gnomAD compares: African/African-American, 0.008%; no homozygotes.

Submissions (2):

Labcorp Genetics (formerly Invitae), Labcorp
Classification: Uncertain significance for Early-infantile DEE. Last evaluated: 2024-11-03. Review status: criteria provided, single submitter. Criteria: Invitae Variant Classification Sherloc (09022015). Collection method: clinical testing. Allele origin: germline.
Comment: This sequence change replaces aspartic acid, which is acidic and polar, with asparagine, which is neutral and polar, at codon 549 of the SPTAN1 protein (p.Asp549Asn). This variant is present in population databases (no rsID available, gnomAD 0.008%). This variant has not been reported in the literature in individuals affected with SPTAN1-related conditions. ClinVar contains an entry for this variant (Variation ID: 1348960). Invitae Evidence Modeling of protein sequence and biophysical properties (such as structural, functional, and spatial information, amino acid conservation, physicochemical variation, residue mobility, and thermodynamic stability) has been performed for this missense variant. However, the output from this modeling did not meet the statistical confidence thresholds required to predict the impact of this variant on SPTAN1 protein function. In summary, the available evidence is currently insufficient to determine the role of this variant in disease. Therefore, it has been classified as a Variant of Uncertain Significance.

Ambry Genetics
Classification: Uncertain significance for Inborn genetic diseases. Last evaluated: 2024-07-02. Review status: criteria provided, single submitter. Criteria: Ambry Variant Classification Scheme 2023. Collection method: clinical testing. Allele origin: germline.

NM_001130438.3(SPTAN1):c.1645G>A (p.Asp549Asn)

Gene: SPTAN1 (spectrin alpha, non-erythrocytic 1; plus strand). Cytogenetic location: 9q34.11.
Variant type: single nucleotide variant.
Coding change: c.1645G>A on transcript NM_001130438.3 (MANE Select); coding-DNA position 1645, G replaced by A.
Protein change: p.Asp549Asn; replaces aspartic acid 549 with asparagine.
Molecular consequence: missense variant.
Genome position (GRCh38, 1-based): chr9:128,582,551, G>A. VCF-style: chr9-128582551-G-A. GRCh37 (hg19) VCF-style: chr9-131344830-G-A.
Other names: c.1645G>A, p.Asp549Asn (NM_001195532.2, NM_001363759.2, NM_001363765.2 and 5 more transcripts); c.1681G>A, p.Asp561Asn (NM_001375312.2, NM_001375318.1); c.1645G>A (NM_001130438.2); short protein forms D561N, D549N.
Identifiers: ClinVar variation 1348960 (VCV001348960.8), dbSNP rs868661967, ClinGen allele CA200378827.